The following is an entry in ClinVar:

NM_016580.4(PCDH12):c.1823T>C (p.Leu608Pro)

Genes: PCDH12 (protocadherin 12; minus strand), RNF14 (ring finger protein 14; plus strand). Cytogenetic location: 5q31.3.
Variant type: single nucleotide variant.
Coding change: c.1823T>C on transcript NM_016580.4 (MANE Select); coding-DNA position 1823, T replaced by C.
Protein change: p.Leu608Pro; replaces leucine 608 with proline.
Molecular consequence: missense variant.
Genome position (GRCh38, 1-based): chr5:141,956,029, A>G on the plus strand (T>C on the coding strand, the complement: PCDH12 is on the minus strand). VCF-style: chr5-141956029-A-G. GRCh37 (hg19) VCF-style: chr5-141335594-A-G.
Other names: p.Leu608Pro; c.1823T>C (NM_016580.3); short protein forms L608P.
Identifiers: ClinVar variation 1165182 (VCV001165182.10), dbSNP rs61737137, ClinGen allele CA3484335.

ClinVar aggregate classification (germline): Benign. Review status: criteria provided, multiple submitters, no conflicts (2 of 4 stars). 2 submissions from 2 submitters: Benign (2). Last evaluated 2026-02-03.

Allele frequency attached by ClinVar (database versions not stated): gnomAD exomes 0.01560; ExAC 0.01575; 1000 Genomes Project 0.00659; TOPMed 0.01371; 1000 Genomes Project 30x 0.00640; gnomAD 0.01607 and 0.01651; ESP Exome Variant Server 0.01745.
gnomAD v4.1: 29,133 of 1,614,040 alleles (1.8%); highest among the groups gnomAD compares: Non-Finnish European, 2.1%; 304 homozygotes.

Submissions (2):

Labcorp Genetics (formerly Invitae), Labcorp
Classification: Benign. Last evaluated: 2026-02-03. Review status: criteria provided, single submitter. Criteria: Invitae Variant Classification Sherloc (09022015). Collection method: clinical testing. Allele origin: germline.

Mayo Clinic Laboratories, Mayo Clinic
Classification: Benign. Last evaluated: 2022-08-30. Review status: criteria provided, single submitter. Criteria: ACMG Guidelines, 2015. Collection method: clinical testing. Allele origin: germline. Observed: 9 variant alleles.
Comment: BS1, BS2, BP4